The following is an entry in ClinVar:

NM_022124.6(CDH23):c.1316A>T (p.Asp439Val)

Gene: CDH23 (cadherin related 23; plus strand). Cytogenetic location: 10q22.1.
Variant type: single nucleotide variant.
Coding change: c.1316A>T on transcript NM_022124.6 (MANE Select); coding-DNA position 1316, A replaced by T.
Protein change: p.Asp439Val; replaces aspartic acid 439 with valine.
Molecular consequence: missense variant.
Genome position (GRCh38, 1-based): chr10:71,646,484, A>T. VCF-style: chr10-71646484-A-T. GRCh37 (hg19) VCF-style: chr10-73406241-A-T.
Other names: p.Asp439Val; c.1316A>T, p.Asp439Val (NM_001171930.2, NM_001171931.2, NM_052836.4); short protein forms D439V.
Identifiers: ClinVar variation 2683112 (VCV002683112.1), dbSNP rs2493820240, ClinGen allele CA377127953.

ClinVar aggregate classification (germline): Uncertain significance (1 of 4 stars; one submission).

Allele frequency attached by ClinVar (database versions not stated): gnomAD exomes 0.00002.
gnomAD v4.1: 18 of 1,613,862 alleles (0.0011%); highest among the groups gnomAD compares: Non-Finnish European, 0.0015%; no homozygotes.

Submission:

Mayo Clinic Laboratories, Mayo Clinic
Classification: Uncertain significance. Last evaluated: 2022-07-05. Review status: criteria provided, single submitter. Criteria: ACMG Guidelines, 2015. Collection method: clinical testing. Allele origin: germline. Observed: 1 variant allele.
Comment: PM2